The following is an entry in ClinVar:

NM_020987.5(ANK3):c.9456T>C (p.Thr3152=)

Gene: ANK3 (ankyrin 3; minus strand). Cytogenetic location: 10q21.2.
Variant type: single nucleotide variant.
Coding change: c.9456T>C on transcript NM_020987.5 (MANE Select); coding-DNA position 9456, T replaced by C.
Protein change: p.Thr3152=; no amino-acid change (threonine 3152 retained).
Molecular consequence: synonymous variant. On other transcripts: intron variant (4).
Genome position (GRCh38, 1-based): chr10:60,071,425, A>G on the plus strand (T>C on the coding strand, the complement: ANK3 is on the minus strand). VCF-style: chr10-60071425-A-G. GRCh37 (hg19) VCF-style: chr10-61831183-A-G.
Other names: c.4388-3416T>C (NM_001204403.2); c.4409-3416T>C (NM_001204404.2); c.4406-3416T>C (NM_001320874.2); c.1808-3416T>C (NM_001149.4).
Identifiers: ClinVar variation 1337104 (VCV001337104.15), dbSNP rs41274670, ClinGen allele CA5511378.

ClinVar aggregate classification (germline): Likely benign. Review status: criteria provided, multiple submitters, no conflicts (2 of 4 stars). 3 submissions from 3 submitters: Likely benign (3). Last evaluated 2026-03-01.

Allele frequency attached by ClinVar (database versions not stated): 1000 Genomes Project 0.00020; 1000 Genomes Project 30x 0.00031.
gnomAD v4.1: 297 of 1,614,106 alleles (0.018%); highest among the groups gnomAD compares: Non-Finnish European, 0.024%; no homozygotes.

Submissions (3):

CeGaT Center for Human Genetics Tuebingen
Classification: Likely benign. Last evaluated: 2026-03-01. Review status: criteria provided, single submitter. Criteria: CeGaT Center For Human Genetics Tuebingen Variant Classification Criteria Version 2. Collection method: clinical testing. Allele origin: germline. Affected: yes. Observed: 1 variant allele.
Comment: ANK3: BP4

Labcorp Genetics (formerly Invitae), Labcorp
Classification: Likely benign. Last evaluated: 2025-03-31. Review status: criteria provided, single submitter. Criteria: Invitae Variant Classification Sherloc (09022015). Collection method: clinical testing. Allele origin: germline.

Genetic Services Laboratory, University of Chicago
Classification: Likely benign. Last evaluated: 2019-03-28. Review status: criteria provided, single submitter. Criteria: ACMG Guidelines, 2015. Collection method: clinical testing. Allele origin: germline. Affected: no.